The following is an entry in ClinVar:

ClinVar aggregate classification (germline): Benign. Review status: criteria provided, multiple submitters, no conflicts (2 of 4 stars). 3 submissions from 3 submitters: Benign (3). Last evaluated 2026-02-01.

Conditions:
Neurodevelopmental disorder with or without anomalies of the brain, eye, or heart (NEDBEH). Identifiers: Orphanet 494344, MedGen C5567477, MONDO:0014857, OMIM 616975.

Submissions (3):

Labcorp Genetics (formerly Invitae), Labcorp
Classification: Benign. Last evaluated: 2026-02-01. Review status: criteria provided, single submitter. Criteria: Invitae Variant Classification Sherloc (09022015). Collection method: clinical testing. Allele origin: germline.

Fulgent Genetics
Classification: Benign for Neurodevelopmental disorder with or without anomalies of the brain, eye, or heart. Last evaluated: 2021-07-28. Review status: criteria provided, single submitter. Criteria: ACMG Guidelines, 2015. Collection method: clinical testing. Allele origin: unknown.

Laboratorio de Genetica e Diagnostico Molecular, Hospital Israelita Albert Einstein
Classification: Benign. Last evaluated: 2020-02-25. Review status: criteria provided, single submitter. Criteria: ACMG Guidelines, 2015. Collection method: clinical testing. Allele origin: germline. Affected: yes.
Comment: ACMG classification criteria: BS1, BS2

NM_001042681.2(RERE):c.3556AAGGAG[4] (p.1186KE[4])

Gene: RERE (arginine-glutamic acid dipeptide repeats; minus strand). Cytogenetic location: 1p36.23.
Variant type: Microsatellite.
Coding change: c.3556AAGGAG[4] on transcript NM_001042681.2 (MANE Select); four copies in a row of the 6-base unit AAGGAG starting at c.3556; the reference has three copies in a row; one copy, 6 bases duplicated.
Protein change: p.1186KE[4].
Molecular consequence: inframe insertion.
Genome position (GRCh38, 1-based): chr1:8,359,809-8,359,814, CTCCTT duplicated on the plus strand (AAGGAG on the coding strand, the reverse complement: RERE is on the minus strand); duplicating any 6 consecutive bases within chr1:8,359,809-8,359,830 gives the same sequence; the position shown is the placement nearest the transcript's 3' end. VCF-style (leftmost placement, unchanged base first): chr1-8359808-G-GCTCCTT. GRCh37 (hg19) VCF-style: chr1-8419868-G-GCTCCTT.
Other names: c.1894AAGGAG[4], p.632KE[4] (NM_001042682.2); c.3556AAGGAG[4], p.1186KE[4] (NM_012102.4); c.3573_3574insAAGGAG (NM_001042681.2).
Identifiers: ClinVar variation 777879 (VCV000777879.11), dbSNP rs147985313, ClinGen allele CA571105.